The following is an entry in ClinVar:

NM_015346.4(ZFYVE26):c.6350dup (p.Arg2118fs)

Gene: ZFYVE26 (zinc finger FYVE-type containing 26; minus strand). Cytogenetic location: 14q24.1.
Variant type: Duplication.
Coding change: c.6350dup on transcript NM_015346.4 (MANE Select); coding-DNA position 6350, one base duplicated (T; older notation c.6350dupT).
Protein change: p.Arg2118fs; shifts the reading frame from arginine 2118.
Molecular consequence: frameshift variant.
Genome position (GRCh38, 1-based): chr14:67,762,222, A duplicated on the plus strand (T on the coding strand, the reverse complement: ZFYVE26 is on the minus strand). VCF-style (leftmost placement, unchanged base first): chr14-67762221-C-CA. GRCh37 (hg19) VCF-style: chr14-68228938-C-CA.
Other names: short protein forms R2118fs.
Identifiers: ClinVar variation 2808717 (VCV002808717.3), dbSNP rs2503966693, ClinGen allele CA2739279815.

ClinVar aggregate classification (germline): Pathogenic (1 of 4 stars; one submission).

Conditions:
Spastic paraplegia. Identifiers: MedGen C0037772, HP:0001258.

Submission:

Labcorp Genetics (formerly Invitae), Labcorp
Classification: Pathogenic for Spastic paraplegia. Last evaluated: 2022-10-17. Review status: criteria provided, single submitter. Criteria: Invitae Variant Classification Sherloc (09022015). Collection method: clinical testing. Allele origin: germline.
Comment: For these reasons, this variant has been classified as Pathogenic. This variant has not been reported in the literature in individuals affected with ZFYVE26-related conditions. This variant is not present in population databases (gnomAD no frequency). This sequence change creates a premature translational stop signal (p.Arg2118Glufs*9) in the ZFYVE26 gene. It is expected to result in an absent or disrupted protein product. Loss-of-function variants in ZFYVE26 are known to be pathogenic (PMID: 18394578, 19805727).

Literature cited by the submitters: PubMed 18394578; PubMed 19805727.